The following is an entry in ClinVar:

ClinVar aggregate classification (germline): Uncertain significance (1 of 4 stars; one submission).

Submission:

CeGaT Center for Human Genetics Tuebingen
Classification: Uncertain significance. Last evaluated: 2025-12-01. Review status: criteria provided, single submitter. Criteria: CeGaT Center For Human Genetics Tuebingen Variant Classification Criteria Version 2. Collection method: clinical testing. Allele origin: germline. Affected: yes. Observed: 2 variant alleles.
Comment: CACNG2: PM2, PM4

NM_006078.5(CACNG2):c.970T>A (p.Ter324Lys)

Gene: CACNG2 (calcium voltage-gated channel auxiliary subunit gamma 2; minus strand). Cytogenetic location: 22q12.3.
Variant type: single nucleotide variant.
Coding change: c.970T>A on transcript NM_006078.5 (MANE Select); coding-DNA position 970, T replaced by A.
Protein change: p.Ter324Lys.
Molecular consequence: stop lost. On other transcripts: non-coding transcript variant (1).
Genome position (GRCh38, 1-based): chr22:36,564,353, A>T on the plus strand (T>A on the coding strand, the complement: CACNG2 is on the minus strand). VCF-style: chr22-36564353-A-T. GRCh37 (hg19) VCF-style: chr22-36960400-A-T.
Other names: c.901T>A, p.Ter301Lys (NM_001379051.1).
Identifiers: ClinVar variation 3778434 (VCV003778434.7).